The following is an entry in ClinVar:

NM_001195305.3(BBIP1):c.38-6194T>C

Gene: BBIP1 (BBSome interacting protein 1; minus strand). Cytogenetic location: 10q25.2.
Variant type: single nucleotide variant.
Coding change: c.38-6194T>C on transcript NM_001195305.3 (MANE Select); 6194 bases into the intron before coding-DNA position 38, T replaced by C.
Molecular consequence: intron variant. On other transcripts: missense variant (1).
Genome position (GRCh38, 1-based): chr10:110,907,806, A>G on the plus strand (T>C on the coding strand, the complement: BBIP1 is on the minus strand). VCF-style: chr10-110907806-A-G. GRCh37 (hg19) VCF-style: chr10-112667564-A-G.
Other names: c.68T>C, p.Leu23Ser (NM_001195304.2); c.38-6194T>C (NM_001195306.2); c.-29-6194T>C (NM_001243783.3); c.38-7280T>C (NM_001195307.2); short protein forms L23S.
Identifiers: ClinVar variation 3345788 (VCV003345788.1).

ClinVar aggregate classification (germline): Uncertain significance (0 of 4 stars; one submission).

Conditions:
BBIP1-related disorder. Also called: BBIP1-related condition.

Submission:

PreventionGenetics, part of Exact Sciences
Classification: Uncertain significance for BBIP1-related condition. Last evaluated: 2024-05-17. Review status: no assertion criteria provided. Collection method: clinical testing. Allele origin: germline.
Comment: The BBIP1 c.68T>C variant is predicted to result in the amino acid substitution p.Leu23Ser. To our knowledge, this variant has not been reported in the literature or in a large population database, indicating this variant is rare. At this time, the clinical significance of this variant is uncertain due to the absence of conclusive functional and genetic evidence.